The following is an entry in ClinVar:

NM_001286577.2(C2CD3):c.3842dup (p.Cys1281fs)

Gene: C2CD3 (C2 domain containing 3 centriole elongation regulator; minus strand). Cytogenetic location: 11q13.4.
Variant type: Duplication.
Coding change: c.3842dup on transcript NM_001286577.2 (MANE Select); coding-DNA position 3842, one base duplicated (G; older notation c.3842dupG).
Protein change: p.Cys1281fs; shifts the reading frame from cysteine 1281.
Molecular consequence: frameshift variant.
Genome position (GRCh38, 1-based): chr11:74,085,686, C duplicated on the plus strand (G on the coding strand, the reverse complement: C2CD3 is on the minus strand). VCF-style (leftmost placement, unchanged base first): chr11-74085685-A-AC. GRCh37 (hg19) VCF-style: chr11-73796730-A-AC.
Other names: c.3842dup, p.Cys1281fs (NM_015531.6); short protein forms C1281fs.
Identifiers: ClinVar variation 3711114 (VCV003711114.2).

ClinVar aggregate classification (germline): Pathogenic (1 of 4 stars; one submission).

Submission:

Labcorp Genetics (formerly Invitae), Labcorp
Classification: Pathogenic. Last evaluated: 2025-04-17. Review status: criteria provided, single submitter. Criteria: Invitae Variant Classification Sherloc (09022015). Collection method: clinical testing. Allele origin: germline.
Comment: This sequence change creates a premature translational stop signal (p.Cys1281Trpfs*19) in the C2CD3 gene. It is expected to result in an absent or disrupted protein product. Loss-of-function variants in C2CD3 are known to be pathogenic (PMID: 24997988, 26477546). This variant is present in population databases (rs781383029, gnomAD 0.002%). This variant has not been reported in the literature in individuals affected with C2CD3-related conditions. ClinVar contains an entry for this variant (Variation ID: 3711114). For these reasons, this variant has been classified as Pathogenic.

Literature cited by the submitters: PubMed 24997988; PubMed 26477546.